The following is an entry in ClinVar:

NM_003183.6(ADAM17):c.94C>T (p.Leu32Phe)

Gene: ADAM17 (ADAM metallopeptidase domain 17; minus strand). Cytogenetic location: 2p25.1.
Variant type: single nucleotide variant.
Coding change: c.94C>T on transcript NM_003183.6 (MANE Select); coding-DNA position 94, C replaced by T.
Protein change: p.Leu32Phe; replaces leucine 32 with phenylalanine.
Molecular consequence: missense variant. On other transcripts: 5 prime UTR variant (2).
Genome position (GRCh38, 1-based): chr2:9,555,512, G>A on the plus strand (C>T on the coding strand, the complement: ADAM17 is on the minus strand). VCF-style: chr2-9555512-G-A. GRCh37 (hg19) VCF-style: chr2-9695641-G-A.
Other names: c.-587C>T (NM_001382777.1); c.-829C>T (NM_001382778.1); short protein forms L32F.
Identifiers: ClinVar variation 1355649 (VCV001355649.6), dbSNP rs779147649, ClinGen allele CA345789900.

ClinVar aggregate classification (germline): Uncertain significance (1 of 4 stars; one submission).

Conditions:
Inflammatory skin and bowel disease, neonatal, 1. Identifiers: Orphanet 294023, MedGen C3280501, MONDO:0013693, OMIM 614328.

gnomAD v4.1: 1 of 1,594,414 alleles (0.000063%); highest among the groups gnomAD compares: Non-Finnish European, 0.000085%; no homozygotes.

Submission:

Labcorp Genetics (formerly Invitae), Labcorp
Classification: Uncertain significance for Inflammatory skin and bowel disease, neonatal, 1. Last evaluated: 2021-10-11. Review status: criteria provided, single submitter. Criteria: Invitae Variant Classification Sherloc (09022015). Collection method: clinical testing. Allele origin: germline.
Comment: This sequence change replaces leucine with phenylalanine at codon 32 of the ADAM17 protein (p.Leu32Phe). The leucine residue is weakly conserved and there is a small physicochemical difference between leucine and phenylalanine. In summary, the available evidence is currently insufficient to determine the role of this variant in disease. Therefore, it has been classified as a Variant of Uncertain Significance. Algorithms developed to predict the effect of missense changes on protein structure and function output the following: SIFT: "Not Available"; PolyPhen-2: "Benign"; Align-GVGD: "Not Available". The phenylalanine amino acid residue is found in multiple mammalian species, which suggests that this missense change does not adversely affect protein function. This variant has not been reported in the literature in individuals affected with ADAM17-related conditions. This variant is not present in population databases (ExAC no frequency).